The following is an entry in ClinVar:

NM_000412.5(HRG):c.1019A>G (p.His340Arg)

Gene: HRG (histidine rich glycoprotein; plus strand). Cytogenetic location: 3q27.3.
Variant type: single nucleotide variant.
Coding change: c.1019A>G on transcript NM_000412.5 (MANE Select); coding-DNA position 1019, A replaced by G.
Protein change: p.His340Arg; replaces histidine 340 with arginine.
Molecular consequence: missense variant.
Genome position (GRCh38, 1-based): chr3:186,677,324, A>G. VCF-style: chr3-186677324-A-G. GRCh37 (hg19) VCF-style: chr3-186395113-A-G.
Other names: p.His340Arg; short protein forms H340R.
Identifiers: ClinVar variation 3056147 (VCV003056147.3), dbSNP rs2228243, ClinGen allele CA2745857.

ClinVar aggregate classification (germline): Benign. Review status: criteria provided, single submitter (1 of 4 stars). 2 submissions from 2 submitters: Benign (1). 1 of the submissions does not count toward it. Last evaluated 2022-09-29.

Conditions:
HRG-related disorder. Also called: HRG-related condition.

Allele frequency attached by ClinVar (database versions not stated): 1000 Genomes Project 30x 0.19925; TOPMed 0.16921; 1000 Genomes Project 0.20487; ESP Exome Variant Server 0.15624; gnomAD 0.16931.
gnomAD v4.1: 319,969 of 1,613,930 alleles (20%); highest among the groups gnomAD compares: East Asian, 34%; 33,670 homozygotes.

Submissions (2):

Mayo Clinic Laboratories, Mayo Clinic
Classification: Benign. Last evaluated: 2022-09-29. Review status: criteria provided, single submitter. Criteria: ACMG Guidelines, 2015. Collection method: clinical testing. Allele origin: germline. Observed: 34 variant alleles.

PreventionGenetics, part of Exact Sciences
Classification: Benign for HRG-related condition. Last evaluated: 2019-10-17. Review status: no assertion criteria provided. Collection method: clinical testing. Allele origin: germline. Not counted in ClinVar's aggregate classification.
Comment: This variant is classified as benign based on ACMG/AMP sequence variant interpretation guidelines (Richards et al. 2015 PMID: 25741868, with internal and published modifications).